The following is an entry in ClinVar:

NM_001211.6(BUB1B):c.101A>T (p.Gln34Leu)

Gene: BUB1B (BUB1 mitotic checkpoint serine/threonine kinase B; plus strand). Cytogenetic location: 15q15.1.
Variant type: single nucleotide variant.
Coding change: c.101A>T on transcript NM_001211.6 (MANE Select); coding-DNA position 101, A replaced by T.
Protein change: p.Gln34Leu; replaces glutamine 34 with leucine.
Molecular consequence: missense variant.
Genome position (GRCh38, 1-based): chr15:40,165,118, A>T. VCF-style: chr15-40165118-A-T. GRCh37 (hg19) VCF-style: chr15-40457319-A-T.
Other names: short protein forms Q34L.
Identifiers: ClinVar variation 3483135 (VCV003483135.1).

ClinVar aggregate classification (germline): Uncertain significance (1 of 4 stars; one submission).

Conditions:
Inborn genetic diseases. Identifiers: MedGen C0950123, MeSH D030342.

Submission:

Ambry Genetics
Classification: Uncertain significance for Inborn genetic diseases. Last evaluated: 2024-07-26. Review status: criteria provided, single submitter. Criteria: Ambry Variant Classification Scheme 2023. Collection method: clinical testing. Allele origin: germline.
Comment: The p.Q34L variant (also known as c.101A>T), located in coding exon 2 of the BUB1B gene, results from an A to T substitution at nucleotide position 101. The glutamine at codon 34 is replaced by leucine, an amino acid with dissimilar properties. This amino acid position is conserved. In addition, this alteration is predicted to be tolerated by in silico analysis. Based on the available evidence, the clinical significance of this variant remains unclear.